The following is an entry in ClinVar:

NM_000426.4(LAMA2):c.5990G>A (p.Gly1997Asp)

Gene: LAMA2 (laminin subunit alpha 2; plus strand). Cytogenetic location: 6q22.33.
Variant type: single nucleotide variant.
Coding change: c.5990G>A on transcript NM_000426.4 (MANE Select); coding-DNA position 5990, G replaced by A.
Protein change: p.Gly1997Asp; replaces glycine 1997 with aspartic acid.
Molecular consequence: missense variant.
Genome position (GRCh38, 1-based): chr6:129,438,667, G>A. VCF-style: chr6-129438667-G-A. GRCh37 (hg19) VCF-style: chr6-129759812-G-A.
Other names: c.5990G>A, p.Gly1997Asp (NM_001079823.2); short protein forms G1997D.
Identifiers: ClinVar variation 1443271 (VCV001443271.5), dbSNP rs1781952133, ClinGen allele CA365627545.

ClinVar aggregate classification (germline): Uncertain significance (1 of 4 stars; one submission).

Conditions:
LAMA2-related muscular dystrophy (LAMA2-RD). Also called: Laminin alpha 2-related dystrophy. Identifiers: MedGen C5679788, MONDO:0100228.

Submission:

Labcorp Genetics (formerly Invitae), Labcorp
Classification: Uncertain significance for LAMA2-related muscular dystrophy. Last evaluated: 2022-09-27. Review status: criteria provided, single submitter. Criteria: Invitae Variant Classification Sherloc (09022015). Collection method: clinical testing. Allele origin: germline.
Comment: This sequence change replaces glycine, which is neutral and non-polar, with aspartic acid, which is acidic and polar, at codon 1997 of the LAMA2 protein (p.Gly1997Asp). This variant is not present in population databases (gnomAD no frequency). This variant has not been reported in the literature in individuals affected with LAMA2-related conditions. ClinVar contains an entry for this variant (Variation ID: 1443271). Advanced modeling of protein sequence and biophysical properties (such as structural, functional, and spatial information, amino acid conservation, physicochemical variation, residue mobility, and thermodynamic stability) performed at Invitae indicates that this missense variant is not expected to disrupt LAMA2 protein function. In summary, the available evidence is currently insufficient to determine the role of this variant in disease. Therefore, it has been classified as a Variant of Uncertain Significance.